The following is an entry in ClinVar:

ClinVar aggregate classification (germline): Uncertain significance (1 of 4 stars; one submission).

Submission:

Labcorp Genetics (formerly Invitae), Labcorp
Classification: Uncertain significance. Last evaluated: 2022-03-09. Review status: criteria provided, single submitter. Criteria: Invitae Variant Classification Sherloc (09022015). Collection method: clinical testing. Allele origin: germline.
Comment: In summary, the available evidence is currently insufficient to determine the role of this variant in disease. Therefore, it has been classified as a Variant of Uncertain Significance. Algorithms developed to predict the effect of missense changes on protein structure and function (SIFT, PolyPhen-2, Align-GVGD) all suggest that this variant is likely to be tolerated. This variant has not been reported in the literature in individuals affected with HMCN1-related conditions. This variant is not present in population databases (gnomAD no frequency). This sequence change replaces valine, which is neutral and non-polar, with isoleucine, which is neutral and non-polar, at codon 3709 of the HMCN1 protein (p.Val3709Ile).

NM_031935.3(HMCN1):c.11125G>A (p.Val3709Ile)

Gene: HMCN1 (hemicentin 1; plus strand). Cytogenetic location: 1q31.1.
Variant type: single nucleotide variant.
Coding change: c.11125G>A on transcript NM_031935.3 (MANE Select); coding-DNA position 11125, G replaced by A.
Protein change: p.Val3709Ile; replaces valine 3709 with isoleucine.
Molecular consequence: missense variant.
Genome position (GRCh38, 1-based): chr1:186,112,947, G>A. VCF-style: chr1-186112947-G-A. GRCh37 (hg19) VCF-style: chr1-186082079-G-A.
Other names: short protein forms V3709I.
Identifiers: ClinVar variation 1428006 (VCV001428006.6), dbSNP rs2102469102, ClinGen allele CA343940394.